The following is an entry in ClinVar:

ClinVar aggregate classification (germline): Uncertain significance (1 of 4 stars; one submission).

gnomAD v4.1: 4 of 1,613,574 alleles (0.00025%); highest among the groups gnomAD compares: Non-Finnish European, 0.00034%; no homozygotes.

Submission:

Labcorp Genetics (formerly Invitae), Labcorp
Classification: Uncertain significance. Last evaluated: 2025-06-17. Review status: criteria provided, single submitter. Criteria: Invitae Variant Classification Sherloc (09022015). Collection method: clinical testing. Allele origin: germline.
Comment: This sequence change replaces asparagine, which is neutral and polar, with serine, which is neutral and polar, at codon 126 of the SEMA4A protein (p.Asn126Ser). This variant is not present in population databases (gnomAD no frequency). This variant has not been reported in the literature in individuals affected with SEMA4A-related conditions. Invitae Evidence Modeling of protein sequence and biophysical properties (such as structural, functional, and spatial information, amino acid conservation, physicochemical variation, residue mobility, and thermodynamic stability) indicates that this missense variant is expected to disrupt SEMA4A protein function with a positive predictive value of 80%. In summary, the available evidence is currently insufficient to determine the role of this variant in disease. Therefore, it has been classified as a Variant of Uncertain Significance.

NM_022367.4(SEMA4A):c.377A>G (p.Asn126Ser)

Gene: SEMA4A (semaphorin 4A; plus strand). Cytogenetic location: 1q22.
Variant type: single nucleotide variant.
Coding change: c.377A>G on transcript NM_022367.4 (MANE Select); coding-DNA position 377, A replaced by G.
Protein change: p.Asn126Ser; replaces asparagine 126 with serine.
Molecular consequence: missense variant. On other transcripts: 5 prime UTR variant (2), intron variant (1).
Genome position (GRCh38, 1-based): chr1:156,158,401, A>G. VCF-style: chr1-156158401-A-G. GRCh37 (hg19) VCF-style: chr1-156128192-A-G.
Other names: c.377A>G, p.Asn126Ser (NM_001193300.2, NM_001193301.2, NM_001370567.1); c.80A>G, p.Asn27Ser (NM_001370568.1); c.-148A>G (NM_001370569.1, NM_001370571.1); c.66+269A>G (NM_001193302.2); short protein forms N126S, N27S.
Identifiers: ClinVar variation 4808507 (VCV004808507.1).